The following is an entry in ClinVar:

NM_001267550.2(TTN):c.65376T>G (p.Tyr21792Ter)

Genes: TTN-AS1 (TTN antisense RNA 1; plus strand), TTN (titin; minus strand). Cytogenetic location: 2q31.2.
Variant type: single nucleotide variant.
Coding change: c.65376T>G on transcript NM_001267550.2 (MANE Select); coding-DNA position 65376, T replaced by G.
Protein change: p.Tyr21792Ter; replaces tyrosine 21792 with a stop codon.
Molecular consequence: nonsense. On other transcripts: non-coding transcript variant (1).
Genome position (GRCh38, 1-based): chr2:178,583,806, A>C on the plus strand (T>G on the coding strand, the complement: TTN is on the minus strand). VCF-style: chr2-178583806-A-C. GRCh37 (hg19) VCF-style: chr2-179448533-A-C.
Other names: c.60453T>G, p.Tyr20151Ter (NM_001256850.1); c.38181T>G, p.Tyr12727Ter (NM_003319.4); c.57672T>G, p.Tyr19224Ter (NM_133378.4); c.38556T>G, p.Tyr12852Ter (NM_133432.3); c.38757T>G, p.Tyr12919Ter (NM_133437.4); short protein forms Y12919*, Y20151*, Y21792*, Y12852*, Y19224*, Y12727*.
Identifiers: ClinVar variation 4787154 (VCV004787154.1).

ClinVar aggregate classification (germline): Likely pathogenic (1 of 4 stars; one submission).

Conditions:
Autosomal recessive limb-girdle muscular dystrophy type 2J (LGMDR10). Also called: Limb-girdle muscular dystrophy, type 2J; MUSCULAR DYSTROPHY, LIMB-GIRDLE, AUTOSOMAL RECESSIVE 10. Identifiers: Orphanet 140922, MedGen C1837342, MONDO:0012127, OMIM 608807.
Dilated cardiomyopathy 1G (CMD1G). Identifiers: Orphanet 154, MedGen C1858763, MONDO:0011400, OMIM 604145.

Submission:

Labcorp Genetics (formerly Invitae), Labcorp
Classification: Likely pathogenic for Dilated cardiomyopathy 1G; Autosomal recessive limb-girdle muscular dystrophy type 2J. Last evaluated: 2026-01-04. Review status: criteria provided, single submitter. Criteria: Invitae Variant Classification Sherloc (09022015). Collection method: clinical testing. Allele origin: germline.
Comment: This sequence change creates a premature translational stop signal (p.Tyr21792*) in the TTN gene. While this is not anticipated to result in nonsense mediated decay, it is expected to create a truncated TTN protein. This variant is not present in population databases (gnomAD no frequency). This variant has not been reported in the literature in individuals affected with TTN-related conditions. This variant is located in the A band of TTN (PMID: 25589632). Truncating variants in this region are significantly overrepresented in patients affected with dilated cardiomyopathy (PMID: 25589632). Truncating variants in this region have also been reported in individuals affected with autosomal recessive centronuclear myopathy (PMID: 23975875). In summary, the currently available evidence indicates that the variant is pathogenic, but additional data are needed to prove that conclusively. Therefore, this variant has been classified as Likely Pathogenic.

Literature cited by the submitters: PubMed 25589632; PubMed 23975875.